The following is an entry in ClinVar:

ClinVar aggregate classification (germline): Uncertain significance (1 of 4 stars; one submission).

Conditions:
TELO2-related disorder. Also called: TELO2-related condition.

Submission:

PreventionGenetics, part of Exact Sciences
Classification: Uncertain significance for TELO2-related condition. Last evaluated: 2025-09-11. Review status: criteria provided, single submitter. Criteria: ACMG Guidelines, 2015. Collection method: clinical testing. Allele origin: germline.
Comment: The TELO2 c.302T>C variant is predicted to result in the amino acid substitution p.Leu101Pro. To our knowledge, this variant has not been reported in the literature or in a large population database (gnomAD), indicating this variant is rare. At this time, the clinical significance of this variant is uncertain due to the absence of conclusive functional and genetic evidence.

NM_016111.4(TELO2):c.302T>C (p.Leu101Pro)

Gene: TELO2 (telomere maintenance 2; plus strand). Cytogenetic location: 16p13.3.
Variant type: single nucleotide variant.
Coding change: c.302T>C on transcript NM_016111.4 (MANE Select); coding-DNA position 302, T replaced by C.
Protein change: p.Leu101Pro; replaces leucine 101 with proline.
Molecular consequence: missense variant.
Genome position (GRCh38, 1-based): chr16:1,494,583, T>C. VCF-style: chr16-1494583-T-C. GRCh37 (hg19) VCF-style: chr16-1544584-T-C.
Other names: c.302T>C, p.Leu101Pro (NM_001351846.2); short protein forms L101P.
Identifiers: ClinVar variation 4986431 (VCV004986431.1).